The following is an entry in ClinVar:

ClinVar aggregate classification (germline): Uncertain significance (1 of 4 stars; one submission).

Conditions:
Epilepsy, childhood absence, susceptibility to, 1. Also called: Epilepsy, childhood absence 1. Identifiers: Orphanet 64280, MedGen C1838604, MONDO:0020759, OMIM 600131.
Epilepsy, childhood absence, susceptibility to, 5. Identifiers: Orphanet 64280, MedGen C2677087, MONDO:0012843, OMIM 612269.

Submission:

Labcorp Genetics (formerly Invitae), Labcorp
Classification: Uncertain significance for Epilepsy, childhood absence, susceptibility to, 5; Epilepsy, childhood absence, susceptibility to, 1. Last evaluated: 2020-03-16. Review status: criteria provided, single submitter. Criteria: Invitae Variant Classification Sherloc (09022015). Collection method: clinical testing. Allele origin: germline.
Comment: This variant results in a copy number gain of the genomic region encompassing the full coding sequence of the GABRB3 gene. The boundaries of this event are unknown as they extend beyond the assayed region for this gene and therefore may encompass additional genes. As the precise location of this event is unknown, it may be in tandem or it may be located elsewhere in the genome. While a whole-gene copy number gain of just the GABRB3 gene alone has not been reported in the literature, much larger copy number variants encompassing more than 5 Mb of DNA (15q11-q13) and multiple adjacent genes have been reported in individuals with a wide spectrum of neuropsychiatric disorders, including autism spectrum disorders, developmental delay, learning difficulties, schizophrenia, and seizures (PMID: 26068938, 23495136, 2828157). In summary, the available evidence is currently insufficient to determine the role of this variant in disease. Therefore, it has been classified as a Variant of Uncertain Significance.

Literature cited by the submitters: PubMed 26068938; PubMed 23495136; PubMed 2828157.

NC_000015.9:g.(?_26792920)_(27020442_?)dup

Genes: GABRB3 (gamma-aminobutyric acid type A receptor subunit beta3; minus strand), LOC126862078 (BRD4-independent group 4 enhancer GRCh37_chr15:26860170-26861369; plus strand). Cytogenetic location: 15q12.
Variant type: Duplication.
Identifiers: ClinVar variation 469569 (VCV000469569.4).